The following is an entry in ClinVar:

ClinVar aggregate classification (germline): Pathogenic. Review status: criteria provided, multiple submitters, no conflicts (2 of 4 stars). 2 submissions from 2 submitters: Pathogenic (2). Last evaluated 2024-07-08.

Conditions:
Cardiovascular phenotype. Identifiers: MedGen CN230736.
Hereditary cancer-predisposing syndrome. Also called: Hereditary neoplastic syndrome; Neoplastic Syndromes, Hereditary; Tumor predisposition; Hereditary Cancer Syndrome. Identifiers: Orphanet 140162, MedGen C0027672, MeSH D009386, MONDO:0015356.
Neurofibromatosis, type 1 (NF1). Also called: VON RECKLINGHAUSEN DISEASE; Peripheral type neurofibromatosis; NEUROFIBROMATOSIS, TYPE I, SOMATIC; Neurofibromatosis, type I. Identifiers: Orphanet 636, MedGen C0027831, MONDO:0018975, OMIM 162200. Disease mechanism: loss of function.

Submissions (2):

Labcorp Genetics (formerly Invitae), Labcorp
Classification: Pathogenic for Neurofibromatosis, type 1. Last evaluated: 2024-07-08. Review status: criteria provided, single submitter. Criteria: Invitae Variant Classification Sherloc (09022015). Collection method: clinical testing. Allele origin: germline.
Comment: This sequence change replaces glutamine, which is neutral and polar, with lysine, which is basic and polar, at codon 1426 of the NF1 protein (p.Gln1426Lys). This variant is not present in population databases (gnomAD no frequency). This missense change has been observed in individual(s) with clinical features of neurofibromatosis type 1 (PMID: 19142971, 22155606). ClinVar contains an entry for this variant (Variation ID: 481974). Advanced modeling of protein sequence and biophysical properties (such as structural, functional, and spatial information, amino acid conservation, physicochemical variation, residue mobility, and thermodynamic stability) performed at Invitae indicates that this missense variant is expected to disrupt NF1 protein function with a positive predictive value of 95%. This variant disrupts the p.Gln1426 amino acid residue in NF1. Other variant(s) that disrupt this residue have been determined to be pathogenic (PMID: 21520333, 23656349; Invitae). This suggests that this residue is clinically significant, and that variants that disrupt this residue are likely to be disease-causing. For these reasons, this variant has been classified as Pathogenic.

Ambry Genetics
Classification: Pathogenic for Cardiovascular phenotype; Hereditary cancer-predisposing syndrome. Last evaluated: 2021-02-23. Review status: criteria provided, single submitter. Criteria: Ambry Variant Classification Scheme 2023. Collection method: clinical testing. Allele origin: germline.
Comment: The p.Q1426K variant (also known as c.4276C>A), located in coding exon 32 of the NF1 gene, results from a C to A substitution at nucleotide position 4276. The glutamine at codon 1426 is replaced by lysine, an amino acid with similar properties. This variant has been detected in an individual who met diagnostic criteria for neurofibromatosis type 1 (Bottillo I et al. J. Pathol., 2009 Apr;217:693-701). Four different alterations at this same position (Q1426R, Q1426E, Q1426H, Q1426P) have been reported (Ben-Shachar S et al. Eur. J. Hum. Genet., 2013 May;21:535-9; Sabbagh A et al. Hum. Mutat., 2013 Nov;34:1510-8; van Minkelen R et al. Clin. Genet., 2014 Apr;85:318-27; Hutter S et al. Hum. Genet., 2016 May;135:469-75). Based on internal structural analysis, this variant is anticipated to significantly disrupt the protein interface (Ambry internal data; Scheffzek K et al. EMBO J., 1998 Aug;17:4313-27; Scheffzek K et al. Science, 1997 Jul;277:333-8). This amino acid position is highly conserved in available vertebrate species. This variant was not reported in population-based cohorts in the Genome Aggregation Database (gnomAD). In addition, this alteration is predicted to be deleterious by in silico analysis. Based on the supporting evidence, this alteration is interpreted as a disease-causing mutation.

Literature cited by the submitters: PubMed 19142971 (cited by Labcorp Genetics (formerly Invitae), Labcorp); PubMed 22155606 (cited by Labcorp Genetics (formerly Invitae), Labcorp); PubMed 21520333 (cited by Labcorp Genetics (formerly Invitae), Labcorp); PubMed 23656349 (cited by Labcorp Genetics (formerly Invitae), Labcorp).

NM_001042492.3(NF1):c.4339C>A (p.Gln1447Lys)

Gene: NF1 (neurofibromin 1; plus strand). Cytogenetic location: 17q11.2.
Variant type: single nucleotide variant.
Coding change: c.4339C>A on transcript NM_001042492.3 (MANE Select); coding-DNA position 4339, C replaced by A.
Protein change: p.Gln1447Lys; replaces glutamine 1447 with lysine.
Molecular consequence: missense variant.
Genome position (GRCh38, 1-based): chr17:31,259,038, C>A. VCF-style: chr17-31259038-C-A. GRCh37 (hg19) VCF-style: chr17-29586056-C-A.
Other names: c.4276C>A, p.Gln1426Lys (NM_000267.4); short protein forms Q1426K, Q1447K.
Identifiers: ClinVar variation 481974 (VCV000481974.10), dbSNP rs1135402857, ClinGen allele CA398998693.